The following is an entry in ClinVar:

ClinVar aggregate classification (germline): Uncertain significance (1 of 4 stars; one submission).

Submission:

Labcorp Genetics (formerly Invitae), Labcorp
Classification: Uncertain significance. Last evaluated: 2025-08-04. Review status: criteria provided, single submitter. Criteria: Invitae Variant Classification Sherloc (09022015). Collection method: clinical testing. Allele origin: germline.
Comment: The C2CD3 gene has multiple clinically relevant transcripts. This variant occurs in alternate transcript NM_001286577.1, and corresponds to NM_015531.5:c.*21102C>T in the primary transcript. This sequence change affects codon 2317 of the C2CD3 mRNA. It is a 'silent' change, meaning that it does not change the encoded amino acid sequence of the C2CD3 protein. This variant is not present in population databases (gnomAD no frequency). This variant has not been reported in the literature in individuals affected with C2CD3-related conditions. Experimental studies and prediction algorithms are not available or were not evaluated, and the effect of this variant on mRNA splicing is currently unknown. In summary, the available evidence is currently insufficient to determine the role of this variant in disease. Therefore, it has been classified as a Variant of Uncertain Significance.

NM_001286577.2(C2CD3):c.6951C>T (p.Leu2317=)

Gene: C2CD3 (C2 domain containing 3 centriole elongation regulator; minus strand). Cytogenetic location: 11q13.4.
Variant type: single nucleotide variant.
Coding change: c.6951C>T on transcript NM_001286577.2 (MANE Select); coding-DNA position 6951, C replaced by T.
Protein change: p.Leu2317=; no amino-acid change (leucine 2317 retained).
Molecular consequence: synonymous variant.
Genome position (GRCh38, 1-based): chr11:74,013,496, G>A on the plus strand (C>T on the coding strand, the complement: C2CD3 is on the minus strand). VCF-style: chr11-74013496-G-A. GRCh37 (hg19) VCF-style: chr11-73724541-G-A.
Identifiers: ClinVar variation 1972688 (VCV001972688.5), dbSNP rs2496145464, ClinGen allele CA475654865.
Genomic context (GRCh38, chr11:74,013,496, plus strand): 5'-TTCTTCCTCAGGCAGGTTGAGGGGGAGCGAGTTAGGTCTGGGGCGACAAGGCCTTTGGGA[G>A]AGAGCTCCCCTGGTGGCTTCGCTCTTGTCCTGGAGAGGAAGAAGTCAGCTAGGTTACCAC-3'
Protein context (NP_001273506.1, residues 2307-2327): QDKSEATRGA[Leu2317=]SQRPCRPRPN